The following is an entry in ClinVar:

ClinVar aggregate classification (germline): Pathogenic/Likely pathogenic. Review status: criteria provided, multiple submitters, no conflicts (2 of 4 stars). 3 submissions from 3 submitters: Pathogenic (1); Likely pathogenic (2). Last evaluated 2024-12-24.

Conditions:
Aspartylglucosaminuria (AGU). Also called: Aspartylglucos-aminuria; Aspartylglucos-amidase (AGA) deficiency; AGA DEFICIENCY; GLYCOASPARAGINASE; GLYCOSYLASPARAGINASE DEFICIENCY. Identifiers: Orphanet 93, MedGen C0268225, MONDO:0008830, OMIM 208400, HP:0012068.

Allele frequency attached by ClinVar (database versions not stated): gnomAD exomes below 0.00001; ExAC 0.00001; TOPMed 0.00001; ESP Exome Variant Server 0.00008.
gnomAD v4.1: 1 of 1,612,978 alleles (0.000062%); highest among the groups gnomAD compares: Non-Finnish European, 0.000085%; no homozygotes.

Submissions (3):

Labcorp Genetics (formerly Invitae), Labcorp
Classification: Pathogenic for Aspartylglucosaminuria. Last evaluated: 2024-12-24. Review status: criteria provided, single submitter. Criteria: Invitae Variant Classification Sherloc (09022015). Collection method: clinical testing. Allele origin: germline.
Comment: This sequence change creates a premature translational stop signal (p.Glu199*) in the AGA gene. It is expected to result in an absent or disrupted protein product. Loss-of-function variants in AGA are known to be pathogenic (PMID: 7627186, 11309371). This variant is present in population databases (rs370078048, gnomAD 0.002%). This variant has not been reported in the literature in individuals affected with AGA-related conditions. ClinVar contains an entry for this variant (Variation ID: 1070108). Algorithms developed to predict the effect of sequence changes on RNA splicing suggest that this variant may disrupt the consensus splice site. For these reasons, this variant has been classified as Pathogenic.

Natera, Inc.
Classification: Likely pathogenic for Aspartylglucosaminuria. Last evaluated: 2024-03-27. Review status: criteria provided, single submitter. Criteria: Natera Variant Classification Schema (03/2026). Collection method: clinical testing. Allele origin: germline.
Comment: The c.595G>T variant in AGA is a nonsense variant predicted to introduce a stop codon at amino acid 199. This variant is expected to result in nonsense mediated decay, truncation, or a dysfunctional protein product. This variant is rare in the general population with a frequency below the threshold expected for the associated phenotype(s). Given the available evidence, this variant is classified as Likely Pathogenic.

Baylor Genetics
Classification: Likely pathogenic for Aspartylglucosaminuria. Last evaluated: 2022-02-02. Review status: criteria provided, single submitter. Criteria: ACMG Guidelines, 2015. Collection method: clinical testing. Allele origin: unknown.

Literature cited by the submitters: PubMed 7627186 (cited by Labcorp Genetics (formerly Invitae), Labcorp); PubMed 11309371 (cited by Labcorp Genetics (formerly Invitae), Labcorp).

NM_000027.4(AGA):c.595G>T (p.Glu199Ter)

Gene: AGA (aspartylglucosaminidase; minus strand). Cytogenetic location: 4q34.3.
Variant type: single nucleotide variant.
Coding change: c.595G>T on transcript NM_000027.4 (MANE Select); coding-DNA position 595, G replaced by T.
Protein change: p.Glu199Ter; replaces glutamic acid 199 with a stop codon.
Molecular consequence: nonsense. On other transcripts: non-coding transcript variant (1).
Genome position (GRCh38, 1-based): chr4:177,437,432, C>A on the plus strand (G>T on the coding strand, the complement: AGA is on the minus strand). VCF-style: chr4-177437432-C-A. GRCh37 (hg19) VCF-style: chr4-178358586-C-A.
Other names: c.595G>T, p.Glu199Ter (NM_001171988.2); c.595G>T (NM_000027.3); short protein forms E199*.
Identifiers: ClinVar variation 1070108 (VCV001070108.9), dbSNP rs370078048, ClinGen allele CA3146886.